The following is an entry in ClinVar:

ClinVar aggregate classification (germline): Uncertain significance (1 of 4 stars; one submission).

gnomAD v4.1: 1 of 1,613,492 alleles (0.000062%); highest among the groups gnomAD compares: African/African-American, 0.0013%; no homozygotes.

Submission:

GeneDx
Classification: Uncertain significance. Last evaluated: 2024-04-18. Review status: criteria provided, single submitter. Criteria: GeneDx Variant Classification Process June 2021. Collection method: clinical testing. Allele origin: germline. Affected: yes.
Comment: In silico analysis supports that this missense variant has a deleterious effect on protein structure/function; Has not been previously published as pathogenic or benign to our knowledge

NM_021005.4(NR2F2):c.898G>A (p.Glu300Lys)

Gene: NR2F2 (nuclear receptor subfamily 2 group F member 2; plus strand). Cytogenetic location: 15q26.2.
Variant type: single nucleotide variant.
Coding change: c.898G>A on transcript NM_021005.4 (MANE Select); coding-DNA position 898, G replaced by A.
Protein change: p.Glu300Lys; replaces glutamic acid 300 with lysine.
Molecular consequence: missense variant.
Genome position (GRCh38, 1-based): chr15:96,334,531, G>A. VCF-style: chr15-96334531-G-A. GRCh37 (hg19) VCF-style: chr15-96877760-G-A.
Other names: c.499G>A, p.Glu167Lys (NM_001145155.2); c.439G>A, p.Glu147Lys (NM_001145156.1, NM_001145157.2); short protein forms E147K, E167K, E300K.
Identifiers: ClinVar variation 3369934 (VCV003369934.1).